The following is an entry in ClinVar:

ClinVar aggregate classification (germline): Conflicting classifications of pathogenicity. Review status: criteria provided, conflicting classifications (1 of 4 stars). 4 submissions from 4 submitters: Uncertain significance (1); Benign (1); Likely benign (2). Last evaluated 2026-09-01.

Allele frequency attached by ClinVar (database versions not stated): ExAC 0.00162; 1000 Genomes Project 30x 0.00172; gnomAD 0.00180; gnomAD exomes 0.00189 and 0.00277; TOPMed 0.00222; 1000 Genomes Project 0.00120; ESP Exome Variant Server 0.00161.
gnomAD v4.1: 4,320 of 1,614,036 alleles (0.27%); highest among the groups gnomAD compares: Non-Finnish European, 0.33%; 4 homozygotes.

Submissions (4):

CeGaT Center for Human Genetics Tuebingen
Classification: Likely benign. Last evaluated: 2026-09-01. Review status: criteria provided, single submitter. Criteria: CeGaT Center For Human Genetics Tuebingen Variant Classification Criteria Version 2. Collection method: clinical testing. Allele origin: germline. Affected: yes. Observed: 11 variant alleles.
Comment: LAMA1: BP4, BP7

Labcorp Genetics (formerly Invitae), Labcorp
Classification: Benign. Last evaluated: 2026-02-01. Review status: criteria provided, single submitter. Criteria: Invitae Variant Classification Sherloc (09022015). Collection method: clinical testing. Allele origin: germline.

Blueprint Genetics
Classification: Likely benign. Last evaluated: 2024-11-26. Review status: criteria provided, single submitter. Criteria: ACMG Guidelines, 2015. Collection method: clinical testing. Allele origin: germline.

Eurofins Ntd Llc (ga)
Classification: Uncertain significance. Last evaluated: 2018-07-27. Review status: criteria provided, single submitter. Criteria: EGL ClinVar v180209 classification definitions. Collection method: clinical testing. Allele origin: germline. Observed: 1 variant allele, 1 heterozygote.

NM_005559.4(LAMA1):c.6354C>T (p.Val2118=)

Gene: LAMA1 (laminin subunit alpha 1; minus strand). Cytogenetic location: 18p11.31.
Variant type: single nucleotide variant.
Coding change: c.6354C>T on transcript NM_005559.4 (MANE Select); coding-DNA position 6354, C replaced by T.
Protein change: p.Val2118=; no amino-acid change (valine 2118 retained).
Molecular consequence: synonymous variant.
Genome position (GRCh38, 1-based): chr18:6,976,072, G>A on the plus strand (C>T on the coding strand, the complement: LAMA1 is on the minus strand). VCF-style: chr18-6976072-G-A. GRCh37 (hg19) VCF-style: chr18-6976071-G-A.
Identifiers: ClinVar variation 598117 (VCV000598117.49), dbSNP rs150849018, ClinGen allele CA8881265.